The following is an entry in ClinVar:

NM_001372.4(DNAH9):c.10845C>T (p.Thr3615=)

Genes: DNAH9 (dynein axonemal heavy chain 9; plus strand), LOC101928350 (uncharacterized LOC101928350; minus strand). Cytogenetic location: 17p12.
Variant type: single nucleotide variant.
Coding change: c.10845C>T on transcript NM_001372.4 (MANE Select); coding-DNA position 10845, C replaced by T.
Protein change: p.Thr3615=; no amino-acid change (threonine 3615 retained).
Molecular consequence: synonymous variant. On other transcripts: 5 prime UTR variant (1).
Genome position (GRCh38, 1-based): chr17:11,883,624, C>T. VCF-style: chr17-11883624-C-T. GRCh37 (hg19) VCF-style: chr17-11786941-C-T.
Other names: c.-220C>T (NM_004662.2); c.10845C>T (NM_001372.3).
Identifiers: ClinVar variation 1601106 (VCV001601106.16), dbSNP rs144408069, ClinGen allele CA8397653.

ClinVar aggregate classification (germline): Benign/Likely benign. Review status: criteria provided, multiple submitters, no conflicts (2 of 4 stars). 4 submissions from 4 submitters: Benign (1); Likely benign (2). 1 of the submissions does not count toward it. Last evaluated 2026-01-22.

Conditions:
DNAH9-related disorder. Also called: DNAH9-related condition.

Allele frequency attached by ClinVar (database versions not stated): 1000 Genomes Project 0.00020; 1000 Genomes Project 30x 0.00031; gnomAD exomes 0.00127; gnomAD 0.00130 and 0.00136; TOPMed 0.00133; ExAC 0.00134; ESP Exome Variant Server 0.00146.
gnomAD v4.1: 2,226 of 1,614,106 alleles (0.14%); highest among the groups gnomAD compares: Middle Eastern, 0.26%; 3 homozygotes.

Submissions (4):

Labcorp Genetics (formerly Invitae), Labcorp
Classification: Benign. Last evaluated: 2026-01-22. Review status: criteria provided, single submitter. Criteria: Invitae Variant Classification Sherloc (09022015). Collection method: clinical testing. Allele origin: germline.

CeGaT Center for Human Genetics Tuebingen
Classification: Likely benign. Last evaluated: 2025-12-01. Review status: criteria provided, single submitter. Criteria: CeGaT Center For Human Genetics Tuebingen Variant Classification Criteria Version 2. Collection method: clinical testing. Allele origin: germline. Affected: yes. Observed: 1 variant allele.
Comment: DNAH9: BP4, BP7

Blueprint Genetics
Classification: Likely benign. Last evaluated: 2024-11-26. Review status: criteria provided, single submitter. Criteria: ACMG Guidelines, 2015. Collection method: clinical testing. Allele origin: germline.

PreventionGenetics, part of Exact Sciences
Classification: Likely benign for DNAH9-related condition. Last evaluated: 2019-10-30. Review status: no assertion criteria provided. Collection method: clinical testing. Allele origin: germline. Not counted in ClinVar's aggregate classification.
Comment: This variant is classified as likely benign based on ACMG/AMP sequence variant interpretation guidelines (Richards et al. 2015 PMID: 25741868, with internal and published modifications).